The following is an entry in ClinVar:

NM_170784.3(MKKS):c.1246C>A (p.His416Asn)

Gene: MKKS (MKKS centrosomal shuttling protein; minus strand). Cytogenetic location: 20p12.2.
Variant type: single nucleotide variant.
Coding change: c.1246C>A on transcript NM_170784.3 (MANE Select); coding-DNA position 1246, C replaced by A.
Protein change: p.His416Asn; replaces histidine 416 with asparagine.
Molecular consequence: missense variant. On other transcripts: non-coding transcript variant (1).
Genome position (GRCh38, 1-based): chr20:10,407,642, G>T on the plus strand (C>A on the coding strand, the complement: MKKS is on the minus strand). VCF-style: chr20-10407642-G-T. GRCh37 (hg19) VCF-style: chr20-10388290-G-T.
Other names: c.1246C>A, p.His416Asn (NM_018848.3); short protein forms H416N.
Identifiers: ClinVar variation 1059719 (VCV001059719.7), dbSNP rs148800011, ClinGen allele CA9763526.

ClinVar aggregate classification (germline): Uncertain significance. Review status: criteria provided, multiple submitters, no conflicts (2 of 4 stars). 4 submissions from 4 submitters: Uncertain significance (3). 1 of the submissions does not count toward it. Last evaluated 2025-05-02.

Conditions:
McKusick-Kaufman syndrome (MKKS). Also called: HYDROMETROCOLPOS SYNDROME; HYDROMETROCOLPOS, POSTAXIAL POLYDACTYLY, AND CONGENITAL HEART MALFORMATION. Identifiers: Orphanet 2473, MedGen C0948368, MONDO:0009367, OMIM 236700.
Bardet-Biedl syndrome (BBS). Identifiers: Orphanet 110, MedGen C0752166, MONDO:0015229.
MKKS-related disorder. Also called: MKKS-related condition; MKKS-related disorders.
Bardet-Biedl syndrome 6 (BBS6). Identifiers: Orphanet 110, MedGen C1858054, MONDO:0011523, OMIM 605231.

Allele frequency attached by ClinVar (database versions not stated): ESP Exome Variant Server 0.00015; gnomAD exomes 0.00003; gnomAD 0.00007 and 0.00008; TOPMed 0.00010; ExAC 0.00003.
gnomAD v4.1: 20 of 1,613,820 alleles (0.0012%); highest among the groups gnomAD compares: African/African-American, 0.025%; no homozygotes.

Submissions (4):

GeneDx
Classification: Uncertain significance. Last evaluated: 2025-05-02. Review status: criteria provided, single submitter. Criteria: GeneDx Variant Classification Process June 2021. Collection method: clinical testing. Allele origin: germline. Affected: yes.
Comment: In silico analysis supports that this missense variant has a deleterious effect on protein structure/function; Has not been previously published as pathogenic or benign to our knowledge

Labcorp Genetics (formerly Invitae), Labcorp
Classification: Uncertain significance for McKusick-Kaufman syndrome; Bardet-Biedl syndrome. Last evaluated: 2022-08-22. Review status: criteria provided, single submitter. Criteria: Invitae Variant Classification Sherloc (09022015). Collection method: clinical testing. Allele origin: germline.
Comment: This sequence change replaces histidine, which is basic and polar, with asparagine, which is neutral and polar, at codon 416 of the MKKS protein (p.His416Asn). This variant is present in population databases (rs148800011, gnomAD 0.05%). This variant has not been reported in the literature in individuals affected with MKKS-related conditions. ClinVar contains an entry for this variant (Variation ID: 1059719). Algorithms developed to predict the effect of missense changes on protein structure and function (SIFT, PolyPhen-2, Align-GVGD) all suggest that this variant is likely to be disruptive. In summary, the available evidence is currently insufficient to determine the role of this variant in disease. Therefore, it has been classified as a Variant of Uncertain Significance.

Fulgent Genetics
Classification: Uncertain significance for McKusick-Kaufman syndrome; Bardet-Biedl syndrome 6. Last evaluated: 2022-01-13. Review status: criteria provided, single submitter. Criteria: ACMG Guidelines, 2015. Collection method: clinical testing. Allele origin: unknown.

PreventionGenetics, part of Exact Sciences
Classification: Uncertain significance for MKKS-related condition. Last evaluated: 2024-04-08. Review status: no assertion criteria provided. Collection method: clinical testing. Allele origin: germline. Not counted in ClinVar's aggregate classification.
Comment: The MKKS c.1246C>A variant is predicted to result in the amino acid substitution p.His416Asn. To our knowledge, this variant has not been reported in the literature. This variant is reported in 0.044% of alleles in individuals of African descent in gnomAD. At this time, the clinical significance of this variant is uncertain due to the absence of conclusive functional and genetic evidence.